The following is an entry in ClinVar:

ClinVar aggregate classification (germline): Uncertain significance (1 of 4 stars; one submission).

Conditions:
Alagille syndrome due to a JAG1 point mutation. Also called: Alagille Syndrome 1; HEPATIC DUCTULAR HYPOPLASIA, SYNDROMATIC; JAG1-Related Alagille Syndrome. Identifiers: Orphanet 261619, Orphanet 52, MedGen C1956125, MONDO:0016862, OMIM 118450.

Submission:

Labcorp Genetics (formerly Invitae), Labcorp
Classification: Uncertain significance for Alagille syndrome due to a JAG1 point mutation. Last evaluated: 2025-02-09. Review status: criteria provided, single submitter. Criteria: Invitae Variant Classification Sherloc (09022015). Collection method: clinical testing. Allele origin: germline.
Comment: This sequence change falls in intron 25 of the JAG1 gene. It does not directly change the encoded amino acid sequence of the JAG1 protein. It affects a nucleotide within the consensus splice site. This variant is not present in population databases (gnomAD no frequency). This variant has not been reported in the literature in individuals affected with JAG1-related conditions. Variants that disrupt the consensus splice site are a relatively common cause of aberrant splicing (PMID: 17576681, 9536098). Algorithms developed to predict the effect of sequence changes on RNA splicing suggest that this variant is not likely to affect RNA splicing. In summary, the available evidence is currently insufficient to determine the role of this variant in disease. Therefore, it has been classified as a Variant of Uncertain Significance.

Literature cited by the submitters: PubMed 17576681; PubMed 9536098.

NM_000214.3(JAG1):c.3199+5G>A

Gene: JAG1 (jagged canonical Notch ligand 1; minus strand). Cytogenetic location: 20p12.2.
Variant type: single nucleotide variant.
Coding change: c.3199+5G>A on transcript NM_000214.3 (MANE Select); 5 bases into the intron after coding-DNA position 3199, G replaced by A.
Molecular consequence: intron variant.
Genome position (GRCh38, 1-based): chr20:10,640,778, C>T on the plus strand (G>A on the coding strand, the complement: JAG1 is on the minus strand). VCF-style: chr20-10640778-C-T. GRCh37 (hg19) VCF-style: chr20-10621426-C-T.
Identifiers: ClinVar variation 4768502 (VCV004768502.1).